The following is an entry in ClinVar:

NM_015001.3(SPEN):c.8858T>G (p.Ile2953Ser)

Gene: SPEN (spen family transcriptional repressor; plus strand). Cytogenetic location: 1p36.13.
Variant type: single nucleotide variant.
Coding change: c.8858T>G on transcript NM_015001.3 (MANE Select); coding-DNA position 8858, T replaced by G.
Protein change: p.Ile2953Ser; replaces isoleucine 2953 with serine.
Molecular consequence: missense variant.
Genome position (GRCh38, 1-based): chr1:15,935,098, T>G. VCF-style: chr1-15935098-T-G. GRCh37 (hg19) VCF-style: chr1-16261593-T-G.
Other names: short protein forms I2953S.
Identifiers: ClinVar variation 3345938 (VCV003345938.1).

ClinVar aggregate classification (germline): Uncertain significance (0 of 4 stars; one submission).

Conditions:
SPEN-related disorder. Also called: SPEN-related condition.

Submission:

PreventionGenetics, part of Exact Sciences
Classification: Uncertain significance for SPEN-related condition. Last evaluated: 2024-05-08. Review status: no assertion criteria provided. Collection method: clinical testing. Allele origin: germline.
Comment: The SPEN c.8858T>G variant is predicted to result in the amino acid substitution p.Ile2953Ser. To our knowledge, this variant has not been reported in the literature or in a large population database, indicating this variant is rare. At this time, the clinical significance of this variant is uncertain due to the absence of conclusive functional and genetic evidence.